The following is an entry in ClinVar:

NM_020693.4(DSCAML1):c.5044A>G (p.Ile1682Val)

Gene: DSCAML1 (DS cell adhesion molecule like 1; minus strand). Cytogenetic location: 11q23.3.
Variant type: single nucleotide variant.
Coding change: c.5044A>G on transcript NM_020693.4 (MANE Select); coding-DNA position 5044, A replaced by G.
Protein change: p.Ile1682Val; replaces isoleucine 1682 with valine.
Molecular consequence: missense variant.
Genome position (GRCh38, 1-based): chr11:117,432,487, T>C on the plus strand (A>G on the coding strand, the complement: DSCAML1 is on the minus strand). VCF-style: chr11-117432487-T-C. GRCh37 (hg19) VCF-style: chr11-117303203-T-C.
Other names: short protein forms I1682V.
Identifiers: ClinVar variation 1900537 (VCV001900537.5), dbSNP rs771758908, ClinGen allele CA6296169.

ClinVar aggregate classification (germline): Uncertain significance (1 of 4 stars; one submission).

Allele frequency attached by ClinVar (database versions not stated): gnomAD exomes below 0.00001; gnomAD 0.00001; TOPMed 0.00001; ExAC 0.00002.
gnomAD v4.1: 2 of 1,613,914 alleles (0.00012%); highest among the groups gnomAD compares: East Asian, 0.0045%; no homozygotes.

Submission:

Labcorp Genetics (formerly Invitae), Labcorp
Classification: Uncertain significance. Last evaluated: 2022-09-27. Review status: criteria provided, single submitter. Criteria: Invitae Variant Classification Sherloc (09022015). Collection method: clinical testing. Allele origin: germline.
Comment: This sequence change replaces isoleucine, which is neutral and non-polar, with valine, which is neutral and non-polar, at codon 1742 of the DSCAML1 protein (p.Ile1742Val). This variant is present in population databases (rs771758908, gnomAD 0.01%). This variant has not been reported in the literature in individuals affected with DSCAML1-related conditions. Algorithms developed to predict the effect of missense changes on protein structure and function (SIFT, PolyPhen-2, Align-GVGD) all suggest that this variant is likely to be tolerated. In summary, the available evidence is currently insufficient to determine the role of this variant in disease. Therefore, it has been classified as a Variant of Uncertain Significance.